The following is an entry in ClinVar:

NM_001267550.2(TTN):c.96901del (p.Arg32301fs)

Genes: TTN (titin; minus strand), TTN-AS1 (TTN antisense RNA 1; plus strand), LOC126806421 (CDK7 strongly-dependent group 2 enhancer GRCh37_chr2:179407630-179408829; plus strand). Cytogenetic location: 2q31.2.
Variant type: Deletion.
Coding change: c.96901del on transcript NM_001267550.2 (MANE Select); coding-DNA position 96901, one base deleted (A; older notation c.96901delA).
Protein change: p.Arg32301fs; shifts the reading frame from arginine 32301.
Molecular consequence: frameshift variant.
Genome position (GRCh38, 1-based): chr2:178,543,072, T deleted on the plus strand (A on the coding strand, the reverse complement: TTN is on the minus strand). VCF-style (leftmost placement, unchanged base first): chr2-178543071-CT-C. GRCh37 (hg19) VCF-style: chr2-179407798-CT-C.
Other names: NR_038272.1:n.2043+711del; c.91978del, p.Arg30660fs (NM_001256850.1); c.69706del, p.Arg23236fs (NM_003319.4); c.89197del, p.Arg29733fs (NM_133378.4); c.70081del, p.Arg23361fs (NM_133432.3); c.70282del, p.Arg23428fs (NM_133437.4); short protein forms R23361fs, R29733fs, R30660fs, R23236fs, R23428fs, R32301fs.
Identifiers: ClinVar variation 2114231 (VCV002114231.5), dbSNP rs2468919069, ClinGen allele CA2573332792.

ClinVar aggregate classification (germline): Conflicting classifications of pathogenicity. Review status: criteria provided, conflicting classifications (1 of 4 stars). 3 submissions from 3 submitters: Pathogenic (1); Likely pathogenic (1); Uncertain significance (1). Last evaluated 2024-01-10.

Conditions:
TTN-related myopathy. Identifiers: MedGen CN294812, MONDO:0100175.
TTN-related disorder. Also called: TTN-related disorders; TTN-related condition; TTN-related disease.
Dilated cardiomyopathy 1G (CMD1G). Identifiers: Orphanet 154, MedGen C1858763, MONDO:0011400, OMIM 604145.
Autosomal recessive limb-girdle muscular dystrophy type 2J (LGMDR10). Also called: Limb-girdle muscular dystrophy, type 2J; MUSCULAR DYSTROPHY, LIMB-GIRDLE, AUTOSOMAL RECESSIVE 10. Identifiers: Orphanet 140922, MedGen C1837342, MONDO:0012127, OMIM 608807.

Allele frequency attached by ClinVar (database versions not stated): gnomAD exomes below 0.00001.

Submissions (3):

Blueprint Genetics
Classification: Likely pathogenic for TTN-related disorders. Last evaluated: 2024-01-10. Review status: criteria provided, single submitter. Criteria: ACMG Guidelines, 2015. Collection method: clinical testing. Allele origin: germline. Affected: yes. Observed: 1 variant allele.

Labcorp Genetics (formerly Invitae), Labcorp
Classification: Pathogenic for Dilated cardiomyopathy 1G; Autosomal recessive limb-girdle muscular dystrophy type 2J. Last evaluated: 2023-11-29. Review status: criteria provided, single submitter. Criteria: Invitae Variant Classification Sherloc (09022015). Collection method: clinical testing. Allele origin: germline.
Comment: This sequence change creates a premature translational stop signal (p.Arg32301Glufs*24) in the TTN gene. While this is not anticipated to result in nonsense mediated decay, it is expected to create a truncated TTN protein. This variant is not present in population databases (gnomAD no frequency). This premature translational stop signal has been observed in individual(s) with clinical features of autosomal recessive TTN-related conditions (Invitae). In at least one individual the data is consistent with being in trans (on the opposite chromosome) from a pathogenic variant. ClinVar contains an entry for this variant (Variation ID: 2114231). This variant is located in the A band of TTN (PMID: 25589632). Truncating variants in this region are significantly overrepresented in patients affected with dilated cardiomyopathy (PMID: 25589632). Truncating variants in this region have also been reported in individuals affected with autosomal recessive centronuclear myopathy (PMID: 23975875). For these reasons, this variant has been classified as Pathogenic.

Broad Center for Mendelian Genomics, Broad Institute of MIT and Harvard
Classification: Uncertain significance for TTN-related myopathy. Last evaluated: 2023-01-25. Review status: criteria provided, single submitter. Criteria: ACMG Guidelines, 2015. Collection method: curation. Allele origin: germline. Inheritance: Autosomal recessive inheritance.
Comment: This variant was absent from large population studies. This variant is predicted to cause a frameshift, which alters the protein‚Äôs amino acid sequence beginning at position 32301 and leads to a premature termination codon 24 amino acids downstream. This alteration is then predicted to lead to a truncated or absent protein. Loss of function of the TTN gene is an established disease mechanism in autosomal recessive limb-girdle muscular dystrophy 10. In summary, although additional studies are required to fully establish its clinical significance, this variant is likely pathogenic for limb-girdle muscular dystrophy 10. ACMG/AMP Criteria applied: PVS1, PM2_Supporting (Richards 2015).

Literature cited by the submitters: PubMed 25589632 (cited by Labcorp Genetics (formerly Invitae), Labcorp); PubMed 23975875 (cited by Labcorp Genetics (formerly Invitae), Labcorp).